The following is an entry in ClinVar:

NM_016507.4(CDK12):c.2623C>A (p.Leu875Ile)

Gene: CDK12 (cyclin dependent kinase 12; plus strand). Cytogenetic location: 17q12.
Variant type: single nucleotide variant.
Coding change: c.2623C>A on transcript NM_016507.4 (MANE Select); coding-DNA position 2623, C replaced by A.
Protein change: p.Leu875Ile; replaces leucine 875 with isoleucine.
Molecular consequence: missense variant.
Genome position (GRCh38, 1-based): chr17:39,509,718, C>A. VCF-style: chr17-39509718-C-A. GRCh37 (hg19) VCF-style: chr17-37665971-C-A.
Other names: c.2623C>A, p.Leu875Ile (NM_015083.4); short protein forms L875I.
Identifiers: ClinVar variation 4651376 (VCV004651376.1).
Genomic context (GRCh38, chr17:39,509,718, plus strand): 5'-GAGGCCACTGCTATGGCTTATGAAAATAATTGTTTTTTGTTTTACAGTGGGCAAATCAAA[C>A]TAGCAGATTTTGGACTTGCTCGGCTCTATAACTCTGAAGAGAGGTAAGGCATTAATTAAA-3'
Protein context (NP_057591.2, residues 865-885): ILLNNSGQIK[Leu875Ile]ADFGLARLYN

ClinVar aggregate classification (germline): Uncertain significance (1 of 4 stars; one submission).

Submission:

Ambry Genetics
Classification: Uncertain significance. Last evaluated: 2025-10-14. Review status: criteria provided, single submitter. Criteria: Ambry Variant Classification Scheme 2023. Collection method: clinical testing. Allele origin: germline.
Comment: The p.L875I variant (also known as c.2623C>A), located in coding exon 7 of the CDK12 gene, results from a C to A substitution at nucleotide position 2623. The leucine at codon 875 is replaced by isoleucine, an amino acid with highly similar properties. This amino acid position is conserved. In addition, this alteration is predicted to be tolerated by in silico analysis. Based on the available evidence, the clinical significance of this variant remains unclear.